The following is an entry in ClinVar:

NM_002109.6(HARS1):c.345T>A (p.Tyr115Ter)

Gene: HARS1 (histidyl-tRNA synthetase 1; minus strand). Cytogenetic location: 5q31.3.
Variant type: single nucleotide variant.
Coding change: c.345T>A on transcript NM_002109.6 (MANE Select); coding-DNA position 345, T replaced by A.
Protein change: p.Tyr115Ter; replaces tyrosine 115 with a stop codon.
Molecular consequence: nonsense. On other transcripts: intron variant (2).
Genome position (GRCh38, 1-based): chr5:140,679,839, A>T on the plus strand (T>A on the coding strand, the complement: HARS1 is on the minus strand). VCF-style: chr5-140679839-A-T. GRCh37 (hg19) VCF-style: chr5-140059424-A-T.
Other names: c.225T>A, p.Tyr75Ter (NM_001258040.3, NM_001258042.3); c.345T>A, p.Tyr115Ter (NM_001258041.3); c.258T>A, p.Tyr86Ter (NM_001289094.2); c.181-1824T>A (NM_001289093.2); c.301-1824T>A (NM_001289092.2); short protein forms Y115*, Y75*, Y86*.
Identifiers: ClinVar variation 1705704 (VCV001705704.2), dbSNP rs771201777, ClinGen allele CA3444132.

ClinVar aggregate classification (germline): Conflicting classifications of pathogenicity. Review status: criteria provided, conflicting classifications (1 of 4 stars). 2 submissions from 2 submitters: Likely pathogenic (1); Uncertain significance (1). Last evaluated 2025-05-21.

Conditions:
Autosomal dominant Charcot-Marie-Tooth disease type 2W. Also called: CHARCOT-MARIE-TOOTH NEUROPATHY, TYPE 2W; CHARCOT-MARIE-TOOTH DISEASE, AXONAL, AUTOSOMAL DOMINANT, TYPE 2W; Charcot-Marie-Tooth disease, axonal, type 2w. Identifiers: Orphanet 488333, MedGen C5567486, MONDO:0014711, OMIM 616625.
Usher syndrome type 3B. Also called: USHER SYNDROME, TYPE IIIB. Identifiers: MedGen C3281066, MONDO:0013788, OMIM 614504.

Allele frequency attached by ClinVar (database versions not stated): ExAC 0.00001.
gnomAD v4.1: 2 of 1,610,478 alleles (0.00012%); highest among the groups gnomAD compares: Admixed American, 0.0017%; no homozygotes.

Submissions (2):

Labcorp Genetics (formerly Invitae), Labcorp
Classification: Uncertain significance for Usher syndrome type 3B. Last evaluated: 2025-05-21. Review status: criteria provided, single submitter. Criteria: Invitae Variant Classification Sherloc (09022015). Collection method: clinical testing. Allele origin: germline.
Comment: This sequence change creates a premature translational stop signal (p.Tyr115*) in the HARS gene. It is expected to result in an absent or disrupted protein product. However, the current clinical and genetic evidence is not sufficient to establish whether loss-of-function variants in HARS cause disease. This variant is present in population databases (rs771201777, gnomAD 0.003%). This variant has not been reported in the literature in individuals affected with HARS-related conditions. ClinVar contains an entry for this variant (Variation ID: 1705704). In summary, the available evidence is currently insufficient to determine the role of this variant in disease. Therefore, it has been classified as a Variant of Uncertain Significance.

3billion
Classification: Likely pathogenic for Autosomal dominant Charcot-Marie-Tooth disease type 2W. Last evaluated: 2022-09-01. Review status: criteria provided, single submitter. Criteria: ACMG Guidelines, 2015. Collection method: clinical testing. Allele origin: germline. Affected: yes. Observed: 1 heterozygote.
Comment: The variant is observed at an extremely low frequency in the gnomAD v2.1.1 dataset (total allele frequency: <0.001%). Stop-gained (nonsense) is predicted to result in a loss or disruption of normal protein function through nonsense-mediated decay (NMD) or protein truncation. Multiple pathogenic variants are reported downstream of the variant. Therefore, this variant is classified as Likely pathogenic according to the recommendation of ACMG/AMP guideline.